The following is an entry in ClinVar:

NM_001111067.4(ACVR1):c.52T>A (p.Ser18Thr)

Gene: ACVR1 (activin A receptor type 1; minus strand). Cytogenetic location: 2q24.1.
Variant type: single nucleotide variant.
Coding change: c.52T>A on transcript NM_001111067.4 (MANE Select); coding-DNA position 52, T replaced by A.
Protein change: p.Ser18Thr; replaces serine 18 with threonine.
Molecular consequence: missense variant.
Genome position (GRCh38, 1-based): chr2:157,799,442, A>T on the plus strand (T>A on the coding strand, the complement: ACVR1 is on the minus strand). VCF-style: chr2-157799442-A-T. GRCh37 (hg19) VCF-style: chr2-158655954-A-T.
Other names: c.52T>A, p.Ser18Thr (NM_001347667.2, NM_001105.5, NM_001347663.1 and 3 more transcripts); c.52T>A (NM_001105.4); short protein forms S18T.
Identifiers: ClinVar variation 2885971 (VCV002885971.4), dbSNP rs745444504, ClinGen allele CA1919256.
Genomic context (GRCh38, chr2:157,799,442, plus strand): 5'-ATCACAGTATACTTATCTTAACCCAAAAAGATGTGAGTCACTTACCTTCCATACTAGGGG[A>T]GGGGAGAGCAATCATGATAAGCACAGGAAGAATCATCACTCCATCTACCATTGTACAACT-3'
Protein context (NP_001104537.1, residues 8-28): LPVLIMIALP[Ser18Thr]PSMEDEKPKV

ClinVar aggregate classification (germline): Uncertain significance. Review status: criteria provided, multiple submitters, no conflicts (2 of 4 stars). 2 submissions from 2 submitters: Uncertain significance (2). Last evaluated 2025-08-09.

Conditions:
Inborn genetic diseases. Identifiers: MedGen C0950123, MeSH D030342.

Allele frequency attached by ClinVar (database versions not stated): gnomAD 0.00001.
gnomAD v4.1: 44 of 1,611,024 alleles (0.0027%); highest among the groups gnomAD compares: Non-Finnish European, 0.0037%; no homozygotes.

Submissions (2):

Ambry Genetics
Classification: Uncertain significance for Inborn genetic diseases. Last evaluated: 2025-08-09. Review status: criteria provided, single submitter. Criteria: Ambry Variant Classification Scheme 2023. Collection method: clinical testing. Allele origin: germline.

Labcorp Genetics (formerly Invitae), Labcorp
Classification: Uncertain significance. Last evaluated: 2024-12-03. Review status: criteria provided, single submitter. Criteria: Invitae Variant Classification Sherloc (09022015). Collection method: clinical testing. Allele origin: germline.
Comment: This sequence change replaces serine, which is neutral and polar, with threonine, which is neutral and polar, at codon 18 of the ACVR1 protein (p.Ser18Thr). This variant is present in population databases (rs745444504, gnomAD 0.0009%). This variant has not been reported in the literature in individuals affected with ACVR1-related conditions. ClinVar contains an entry for this variant (Variation ID: 2885971). An algorithm developed to predict the effect of missense changes on protein structure and function (PolyPhen-2) suggests that this variant is likely to be tolerated. In summary, the available evidence is currently insufficient to determine the role of this variant in disease. Therefore, it has been classified as a Variant of Uncertain Significance.